The following is an entry in ClinVar:

ClinVar aggregate classification (germline): Conflicting classifications of pathogenicity. Review status: criteria provided, conflicting classifications (1 of 4 stars). 3 submissions from 3 submitters: Uncertain significance (2); Likely benign (1). Last evaluated 2026-07-07.

Conditions:
Hereditary cancer-predisposing syndrome. Also called: Tumor predisposition; Hereditary Cancer Syndrome; Neoplastic Syndromes, Hereditary; Hereditary neoplastic syndrome. Identifiers: Orphanet 140162, MedGen C0027672, MeSH D009386, MONDO:0015356.
Hereditary diffuse gastric adenocarcinoma (HDGC). Also called: DIFFUSE GASTRIC AND LOBULAR BREAST CANCER SYNDROME. Identifiers: Orphanet 26106, MedGen C1708349, MONDO:0007648, OMIM 137215.

Allele frequency attached by ClinVar (database versions not stated): gnomAD exomes below 0.00001; gnomAD 0.00002.
gnomAD v4.1: 5 of 1,614,072 alleles (0.00031%); highest among the groups gnomAD compares: Admixed American, 0.005%; no homozygotes.

Submissions (3):

Ambry Genetics
Classification: Likely benign for Hereditary cancer-predisposing syndrome. Last evaluated: 2026-07-07. Review status: criteria provided, single submitter. Criteria: Ambry Variant Classification Scheme 2023. Collection method: clinical testing. Allele origin: germline.

Labcorp Genetics (formerly Invitae), Labcorp
Classification: Uncertain significance for Hereditary diffuse gastric adenocarcinoma. Last evaluated: 2025-12-24. Review status: criteria provided, single submitter. Criteria: Invitae Variant Classification Sherloc (09022015). Collection method: clinical testing. Allele origin: germline.
Comment: This sequence change replaces threonine, which is neutral and polar, with isoleucine, which is neutral and non-polar, at codon 394 of the CDH1 protein (p.Thr394Ile). This variant is present in population databases (no rsID available, gnomAD 0.2%). This variant has not been reported in the literature in individuals affected with CDH1-related conditions. ClinVar contains an entry for this variant (Variation ID: 818515). An algorithm developed to predict the effect of missense changes on protein structure and function (PolyPhen-2) suggests that this variant is likely to be tolerated. In summary, the available evidence is currently insufficient to determine the role of this variant in disease. Therefore, it has been classified as a Variant of Uncertain Significance.

Color Diagnostics, LLC DBA Color Health
Classification: Uncertain significance for Hereditary cancer-predisposing syndrome. Last evaluated: 2023-12-05. Review status: criteria provided, single submitter. Criteria: ACMG Guidelines, 2015. Collection method: clinical testing. Allele origin: germline.
Comment: This missense variant replaces threonine with isoleucine at codon 394 of the CDH1 protein. Computational prediction tools and conservation analyses are inconclusive regarding the impact of this variant on the protein function. Computational splicing tools suggest that this variant may not impact RNA splicing. To our knowledge, functional assays have not been performed for this variant nor has this variant been reported in individuals affected with hereditary cancer in the literature. This variant has been identified in 2/31408 chromosomes in the general population by the Genome Aggregation Database (gnomAD). Available evidence is insufficient to determine the role of this variant in disease conclusively. Therefore, this variant is classified as a Variant of Uncertain Significance.

NM_004360.5(CDH1):c.1181C>T (p.Thr394Ile)

Gene: CDH1 (cadherin 1; plus strand). Cytogenetic location: 16q22.1.
Variant type: single nucleotide variant.
Coding change: c.1181C>T on transcript NM_004360.5 (MANE Select); coding-DNA position 1181, C replaced by T.
Protein change: p.Thr394Ile; replaces threonine 394 with isoleucine.
Molecular consequence: missense variant. On other transcripts: 5 prime UTR variant (2), intron variant (1).
Genome position (GRCh38, 1-based): chr16:68,813,356, C>T. VCF-style: chr16-68813356-C-T. GRCh37 (hg19) VCF-style: chr16-68847259-C-T.
Other names: c.-435C>T (NM_001317185.2); c.-639C>T (NM_001317186.2); c.1137+1093C>T (NM_001317184.2); short protein forms T394I.
Identifiers: ClinVar variation 818515 (VCV000818515.19), dbSNP rs1332444039, ClinGen allele CA396461202.